The following is an entry in ClinVar:

ClinVar aggregate classification (germline): Uncertain significance. Review status: criteria provided, multiple submitters, no conflicts (2 of 4 stars). 2 submissions from 2 submitters: Uncertain significance (2). Last evaluated 2022-03-04.

Conditions:
Cortical dysplasia-focal epilepsy syndrome (PTHSL1). Also called: Pitt-Hopkins-like syndrome 1. Identifiers: Orphanet 163681, Orphanet 221150, MedGen C2750246, MONDO:0012400, OMIM 610042.

Allele frequency attached by ClinVar (database versions not stated): gnomAD exomes below 0.00001 and 0.00003; ExAC 0.00001; TOPMed 0.00001.
gnomAD v4.1: 48 of 1,614,122 alleles (0.003%); highest among the groups gnomAD compares: Middle Eastern, 0.017%; no homozygotes.

Submissions (2):

Labcorp Genetics (formerly Invitae), Labcorp
Classification: Uncertain significance for Cortical dysplasia-focal epilepsy syndrome. Last evaluated: 2022-03-04. Review status: criteria provided, single submitter. Criteria: Invitae Variant Classification Sherloc (09022015). Collection method: clinical testing. Allele origin: germline.
Comment: ClinVar contains an entry for this variant (Variation ID: 420428). This sequence change replaces phenylalanine, which is neutral and non-polar, with leucine, which is neutral and non-polar, at codon 758 of the CNTNAP2 protein (p.Phe758Leu). This variant is present in population databases (rs778143284, gnomAD 0.002%). This variant has not been reported in the literature in individuals affected with CNTNAP2-related conditions. Algorithms developed to predict the effect of missense changes on protein structure and function output the following: SIFT: "Tolerated"; PolyPhen-2: "Benign"; Align-GVGD: "Class C0". The leucine amino acid residue is found in multiple mammalian species, which suggests that this missense change does not adversely affect protein function. In summary, the available evidence is currently insufficient to determine the role of this variant in disease. Therefore, it has been classified as a Variant of Uncertain Significance.

GeneDx
Classification: Uncertain significance. Last evaluated: 2020-06-29. Review status: criteria provided, single submitter. Criteria: GeneDx Variant Classification Process June 2021. Collection method: clinical testing. Allele origin: germline. Affected: yes.
Comment: Not observed at a significant frequency in large population cohorts (Lek et al., 2016); In silico analysis, which includes protein predictors and evolutionary conservation, supports that this variant does not alter protein structure/function; Has not been previously published as pathogenic or benign to our knowledge

NM_014141.6(CNTNAP2):c.2274C>G (p.Phe758Leu)

Gene: CNTNAP2 (contactin associated protein 2; plus strand). Cytogenetic location: 7q35.
Variant type: single nucleotide variant.
Coding change: c.2274C>G on transcript NM_014141.6 (MANE Select); coding-DNA position 2274, C replaced by G.
Protein change: p.Phe758Leu; replaces phenylalanine 758 with leucine.
Molecular consequence: missense variant.
Genome position (GRCh38, 1-based): chr7:147,977,880, C>G. VCF-style: chr7-147977880-C-G. GRCh37 (hg19) VCF-style: chr7-147674972-C-G.
Other names: short protein forms F758L.
Identifiers: ClinVar variation 420428 (VCV000420428.8), dbSNP rs778143284, ClinGen allele CA4546364.